The following is an entry in ClinVar:

ClinVar aggregate classification (germline): Uncertain significance (1 of 4 stars; one submission).

Submission:

Ambry Genetics
Classification: Uncertain significance. Last evaluated: 2025-01-06. Review status: criteria provided, single submitter. Criteria: Ambry Variant Classification Scheme 2023. Collection method: clinical testing. Allele origin: germline.
Comment: The p.R1311I variant (also known as c.3932G>T), located in coding exon 8 of the MLH3 gene, results from a G to T substitution at nucleotide position 3932. The arginine at codon 1311 is replaced by isoleucine, an amino acid with similar properties. This amino acid position is conserved. In addition, the in silico prediction for this alteration is inconclusive. Since supporting evidence is limited at this time, the clinical significance of this alteration remains unclear.

NM_001040108.2(MLH3):c.3932G>T (p.Arg1311Ile)

Gene: MLH3 (mutL homolog 3; minus strand). Cytogenetic location: 14q24.3.
Variant type: single nucleotide variant.
Coding change: c.3932G>T on transcript NM_001040108.2 (MANE Select); coding-DNA position 3932, G replaced by T.
Protein change: p.Arg1311Ile; replaces arginine 1311 with isoleucine.
Molecular consequence: missense variant.
Genome position (GRCh38, 1-based): chr14:75,030,598, C>A on the plus strand (G>T on the coding strand, the complement: MLH3 is on the minus strand). VCF-style: chr14-75030598-C-A. GRCh37 (hg19) VCF-style: chr14-75497301-C-A.
Other names: c.3860G>T, p.Arg1287Ile (NM_014381.3); short protein forms R1311I, R1287I.
Identifiers: ClinVar variation 1736279 (VCV001736279.3), dbSNP rs1890982997, ClinGen allele CA390422670.
Genomic context (GRCh38, chr14:75,030,598, plus strand): 5'-CTTACCTCCACAATACTCTTGGTCACAGTAGATCTTCCTCTCCGAAGTTCATTGGCTTCT[C>A]TTTCCACAAAACATAGTGGTACTTTTCCCACAAGGACCAGAGAATCACTAGTGTCTGGAA-3'
Protein context (NP_001035197.1, residues 1301-1321): VGKVPLCFVE[Arg1311Ile]EANELRRGRS